The following is an entry in ClinVar:

NM_001077350.3(NPRL3):c.924G>C (p.Gln308His)

Genes: HBA-LCR (alpha-globin locus control region; plus strand), NPRL3 (NPR3 like, GATOR1 complex subunit; minus strand). Cytogenetic location: 16p13.3.
Variant type: single nucleotide variant.
Coding change: c.924G>C on transcript NM_001077350.3 (MANE Select); coding-DNA position 924, G replaced by C.
Protein change: p.Gln308His; replaces glutamine 308 with histidine.
Molecular consequence: missense variant.
Genome position (GRCh38, 1-based): chr16:98,145, C>G on the plus strand (G>C on the coding strand, the complement: NPRL3 is on the minus strand). VCF-style: chr16-98145-C-G. GRCh37 (hg19) VCF-style: chr16-148143-C-G.
Other names: c.387G>C, p.Gln129His (NM_001039476.3); c.690G>C, p.Gln230His (NM_001243247.2); c.849G>C, p.Gln283His (NM_001243248.2, NM_001243249.2); short protein forms Q129H, Q308H, Q230H, Q283H.
Identifiers: ClinVar variation 648294 (VCV000648294.10), dbSNP rs1596505517, ClinGen allele CA394055023.

ClinVar aggregate classification (germline): Pathogenic (1 of 4 stars; one submission).

Conditions:
Epilepsy, familial focal, with variable foci 3 (FFEVF3). Identifiers: MedGen C4310708, MONDO:0014925, OMIM 617118.

Allele frequency attached by ClinVar (database versions not stated): gnomAD exomes below 0.00001.
gnomAD v4.1: 1 of 1,613,212 alleles (0.000062%); highest among the groups gnomAD compares: Non-Finnish European, 0.000085%; no homozygotes.

Submission:

Labcorp Genetics (formerly Invitae), Labcorp
Classification: Pathogenic for Epilepsy, familial focal, with variable foci 3. Last evaluated: 2022-07-26. Review status: criteria provided, single submitter. Criteria: Invitae Variant Classification Sherloc (09022015). Collection method: clinical testing. Allele origin: germline.
Comment: Variants that disrupt the consensus splice site are a relatively common cause of aberrant splicing (PMID: 17576681, 9536098). Algorithms developed to predict the effect of sequence changes on RNA splicing suggest that this variant may disrupt the consensus splice site. ClinVar contains an entry for this variant (Variation ID: 648294). This missense change has been observed in individual(s) with features consistent with an NPRL3-related condition (Invitae). In at least one individual the variant was observed to be de novo. This variant is not present in population databases (gnomAD no frequency). This sequence change replaces glutamine, which is neutral and polar, with histidine, which is basic and polar, at codon 308 of the NPRL3 protein (p.Gln308His). This variant also falls at the last nucleotide of exon 9, which is part of the consensus splice site for this exon. For these reasons, this variant has been classified as Pathogenic.

Literature cited by the submitters: PubMed 17576681; PubMed 9536098.